The following is an entry in ClinVar:

NM_032638.5(GATA2):c.1024G>A (p.Ala342Thr)

Gene: GATA2 (GATA binding protein 2; minus strand). Cytogenetic location: 3q21.3.
Variant type: single nucleotide variant.
Coding change: c.1024G>A on transcript NM_032638.5 (MANE Select); coding-DNA position 1024, G replaced by A.
Protein change: p.Ala342Thr; replaces alanine 342 with threonine.
Molecular consequence: missense variant. On other transcripts: intron variant (1).
Genome position (GRCh38, 1-based): chr3:128,481,938, C>T on the plus strand (G>A on the coding strand, the complement: GATA2 is on the minus strand). VCF-style: chr3-128481938-C-T. GRCh37 (hg19) VCF-style: chr3-128200781-C-T.
Other names: c.1024G>A (NM_001145661.1); c.1024G>A, p.Ala342Thr (NM_001145661.2); c.1018-36G>A (NM_001145662.1); short protein forms A342T.
Identifiers: ClinVar variation 652480 (VCV000652480.15), dbSNP rs751285156, ClinGen allele CA2599879.

ClinVar aggregate classification (germline): Uncertain significance. Review status: criteria provided, multiple submitters, no conflicts (2 of 4 stars). 10 submissions from 10 submitters: Uncertain significance (10). Last evaluated 2026-04-28.

Conditions:
Inborn genetic diseases. Identifiers: MedGen C0950123, MeSH D030342.
Deafness-lymphedema-leukemia syndrome. Also called: Lymphedema, primary, with myelodysplasia; Emberger syndrome. Identifiers: Orphanet 3226, MedGen C3279664, MONDO:0013540, OMIM 614038.
GATA2 deficiency with susceptibility to MDS/AML. Identifiers: MedGen CN300066, MONDO:0042982.
Myelodysplastic syndrome (MDS). Also called: Myelodysplastic syndrome, somatic; MYELODYSPLASTIC SYNDROME, SUSCEPTIBILITY TO; Myelodysplastic syndromes. Identifiers: Orphanet 52688, MedGen C3463824, MeSH D009190, MONDO:0018881, OMIM 614286.
Acute myeloid leukemia (AML). Also called: Acute myeloid leukemia, adult; AML adult; Acute non-lymphocytic leukemia; Acute granulocytic leukemia; Leukemia, acute myeloid, somatic; Leukemia, acute myelogenous, somatic. Identifiers: Orphanet 519, MedGen C0023467, MeSH D015470, MONDO:0018874, OMIM 601626, HP:0004808. Disease mechanism: Constitutively activated FLT3.
Monocytopenia with susceptibility to infections. Also called: IMMUNODEFICIENCY 21; GATA2 DEFICIENCY; MONOCYTOPENIA AND MYCOBACTERIAL INFECTION SYNDROME; MONOCYTOPENIA WITH SUSCEPTIBILITY TO MYCOBACTERIAL, FUNGAL, AND PAPILLOMAVIRUS INFECTIONS AND MYELODYSPLASIA; COMBINED IMMUNODEFICIENCY WITH SUSCEPTIBILITY TO MYCOBACTERIAL, VIRAL, AND FUNGAL INFECTIONS; Dendritic cell, monocyte, B lymphocyte, and natural killer lymphocyte deficiency. Identifiers: Orphanet 228423, MedGen C3280030, MONDO:0013607, OMIM 614172.
GATA2-related disorder. Also called: GATA2-Related Disorders; GATA2-related condition.

Allele frequency attached by ClinVar (database versions not stated): ExAC below 0.00001; gnomAD exomes 0.00001; TOPMed 0.00005.
gnomAD v4.1: 35 of 1,613,364 alleles (0.0022%); highest among the groups gnomAD compares: Admixed American, 0.0083%; no homozygotes.

Submissions (10):

PreventionGenetics, part of Exact Sciences
Classification: Uncertain significance for GATA2-related condition. Last evaluated: 2026-04-28. Review status: criteria provided, single submitter. Criteria: ACMG Guidelines, 2015. Collection method: clinical testing. Allele origin: germline.
Comment: The GATA2 c.1024G>A variant is predicted to result in the amino acid substitution p.Ala342Thr. This variant has been reported in an individual with acute myeloid leukemia (Shiba et al. 2014. PubMed ID: 24033149). This variant is reported in 0.0058% of alleles in individuals of Latino descent in gnomAD. At this time, the clinical significance of this variant is uncertain due to the absence of conclusive functional and genetic evidence.

St. Jude Molecular Pathology, St. Jude Children's Research Hospital
Classification: Uncertain significance for Myelodysplastic syndrome. Last evaluated: 2026-02-20. Review status: criteria provided, single submitter. Criteria: St. Jude Assertion Criteria 2020. Collection method: clinical testing. Allele origin: germline.
Comment: The GATA2 c.1024G>A p.(Ala342Thr) missense change has a maximum subpopulation frequency of 0.0058% in gnomAD v2.1.1. The in silico tool REVEL is inconclusive about a pathogenic or benign effect of this variant on protein function, but functional studies have not been performed. This variant has been reported in individuals presenting with myeloproliferative neoplasm and acute myeloid leukemia (PMID: 37586297, 24033149, 37142255). In sum mary, the evidence currently available is insufficient to determine the clinical significance of this variant. It has therefore been classified as of uncertain significance.

Labcorp Genetics (formerly Invitae), Labcorp
Classification: Uncertain significance for Monocytopenia with susceptibility to infections; Deafness-lymphedema-leukemia syndrome. Last evaluated: 2026-02-02. Review status: criteria provided, single submitter. Criteria: Invitae Variant Classification Sherloc (09022015). Collection method: clinical testing. Allele origin: germline.
Comment: This sequence change replaces alanine, which is neutral and non-polar, with threonine, which is neutral and polar, at codon 342 of the GATA2 protein (p.Ala342Thr). This variant is present in population databases (rs751285156, gnomAD 0.006%). This missense change has been observed in individual(s) with acute myeloid leukemia (PMID: 24033149). ClinVar contains an entry for this variant (Variation ID: 652480). Invitae Evidence Modeling of protein sequence and biophysical properties (such as structural, functional, and spatial information, amino acid conservation, physicochemical variation, residue mobility, and thermodynamic stability) has been performed for this missense variant. However, the output from this modeling did not meet the statistical confidence thresholds required to predict the impact of this variant on GATA2 protein function. In summary, the available evidence is currently insufficient to determine the role of this variant in disease. Therefore, it has been classified as a Variant of Uncertain Significance.

Ambry Genetics
Classification: Uncertain significance for Inborn genetic diseases. Last evaluated: 2025-01-10. Review status: criteria provided, single submitter. Criteria: Ambry Variant Classification Scheme 2023. Collection method: clinical testing. Allele origin: germline.
Comment: The p.A342T variant (also known as c.1024G>A), located in coding exon 4 of the GATA2 gene, results from a G to A substitution at nucleotide position 1024. The alanine at codon 342 is replaced by threonine, an amino acid with similar properties. This alteration was detected in the germline of a pediatric patient with AML (Shiba N et al. Br J Haematol, 2014 Jan;164:142-5). This amino acid position is highly conserved in available vertebrate species. In addition, the in silico prediction for this alteration is inconclusive. Based on the available evidence, the clinical significance of this variant remains unclear.

GeneDx
Classification: Uncertain significance. Last evaluated: 2024-08-20. Review status: criteria provided, single submitter. Criteria: GeneDx Variant Classification Process June 2021. Collection method: clinical testing. Allele origin: germline. Affected: yes.
Comment: Not observed at significant frequency in large population cohorts (gnomAD); In silico analysis supports that this missense variant has a deleterious effect on protein structure/function; Observed as a germline variant in an individual with pediatric acute myeloid leukemia (AML) (PMID: 24033149); This variant is associated with the following publications: (PMID: 25707267, 24033149)

Clinical Genomics Laboratory, Washington University in St. Louis
Classification: Uncertain significance for Deafness-lymphedema-leukemia syndrome. Last evaluated: 2024-06-26. Review status: criteria provided, single submitter. Criteria: ACMG Guidelines, 2015. Collection method: clinical testing. Allele origin: germline.
Comment: A GATA2 c.1024G>A (p.Ala342Thr) variant was identified at a near heterozygous allelic fraction of 48.8%, a frequency which may be consistent with it being of germline origin. This variant has been reported in a germline state in a patient with de novo pediatric acute myeloid leukemia (Shiba N et al., PMID: 24033149). This variant is observed on 35/1,613,364 alleles in the general population (gnomAD v4.1.0). Computational predictors are uncertain as to the impact of this variant on GATA2 function. Due to limited information and based on ACMG/AMP guidelines for variant interpretation (Richards S et al., PMID: 25741868), the clinical significance of this variant is uncertain at this time.

Fulgent Genetics
Classification: Uncertain significance for Acute myeloid leukemia; Deafness-lymphedema-leukemia syndrome; Monocytopenia with susceptibility to infections; Myelodysplastic syndrome. Last evaluated: 2024-03-07. Review status: criteria provided, single submitter. Criteria: ACMG Guidelines, 2015. Collection method: clinical testing. Allele origin: germline.

Baylor Genetics
Classification: Uncertain significance for Acute myeloid leukemia. Last evaluated: 2023-09-21. Review status: criteria provided, single submitter. Criteria: ACMG Guidelines, 2015. Collection method: clinical testing. Allele origin: unknown.

Blueprint Genetics
Classification: Uncertain significance. Last evaluated: 2023-06-08. Review status: criteria provided, single submitter. Criteria: ACMG Guidelines, 2015. Collection method: clinical testing. Allele origin: germline.

Molecular Pathology Research Laboratory, SA Pathology
Classification: Uncertain significance for GATA2 deficiency with susceptibility to MDS/AML; Deafness-lymphedema-leukemia syndrome. Last evaluated: 2021-07-06. Review status: criteria provided, single submitter. Criteria: ACMG Guidelines, 2015. Collection method: curation. Allele origin: germline. Inheritance: Autosomal dominant inheritance. Affected: yes. Observed: 1 variant allele.
Comment: No criteria satisfied

Literature cited by the submitters: PubMed 24033149 (cited by 3 submitters).